The following is an entry in ClinVar:

ClinVar aggregate classification (germline): Likely pathogenic (3 of 4 stars; one submission).

Conditions:
Open-angle glaucoma. Identifiers: MedGen C0017612, MONDO:0005338, HP:0012108.

Submission:

ClinGen Glaucoma Variant Curation Expert Panel
Classification: Likely pathogenic for Open-angle glaucoma. Last evaluated: 2026-02-18. Review status: reviewed by expert panel. Criteria: ClinGen Glaucoma ACMG Specifications V2.0.0 Approved. Collection method: curation. Allele origin: germline. Inheritance: Autosomal dominant inheritance.
Comment: The c.1150G>C variant in MYOC is a missense variant predicted to cause substitution of Aspartate by Histidine at amino acid 384 (p.Asp384His). This variant was not found in any genetic ancestry group of gnomAD (v4.1.0), meeting the ≤ 0.0001 threshold set for PM2_Supporting in a genetic ancestry group of at least 10,000 alleles. The REVEL score = 0.977, which met the ≥ 0.932 threshold for PP3_Strong, predicting a damaging effect on MYOC function. There was no functional evidence predicting a damaging or benign impact of this variant on MYOC function. Only 1 proband with juvenile open angle glaucoma (JOAG) had been reported (PMID: 29540704), not meeting the ≥ 2 probands threshold required to meet PS4_Supporting. Another missense variant (c.1150G>A, p.Asp384Asn, Grantham score = 23, ClinVar ID: 1342205) at the same codon has been classified as likely pathogenic for juvenile open angle glaucoma by the ClinGen Glaucoma VCEP. The c.1150G>C, p.Asp384His variant has a higher Grantham score (= 81) than the previously classified amino acid change, was not predicted to affect splicing as assessed with SpliceAI (≤ 0.2), and met PP3, meeting the conditions for PM5_Supporting to apply. In summary, this variant met the criteria to receive a score of 6 and to be classified as likely pathogenic (likely pathogenic classification range 6 to 9, adapted from PMID: 32720330) for juvenile open angle glaucoma based on the ACMG/AMP criteria met, as specified by the ClinGen Glaucoma VCEP (v2.0.0, 5 Dec 2024): PP3_Strong, PM2_Supporting, PM5_Supporting.

NM_000261.2(MYOC):c.1150G>C (p.Asp384His)

Gene: MYOC (myocilin; minus strand). Cytogenetic location: 1q24.3.
Variant type: single nucleotide variant.
Coding change: c.1150G>C on transcript NM_000261.2 (MANE Select); coding-DNA position 1150, G replaced by C.
Protein change: p.Asp384His; replaces aspartic acid 384 with histidine.
Molecular consequence: missense variant.
Genome position (GRCh38, 1-based): chr1:171,636,290, C>G on the plus strand (G>C on the coding strand, the complement: MYOC is on the minus strand). VCF-style: chr1-171636290-C-G. GRCh37 (hg19) VCF-style: chr1-171605430-C-G.
Other names: NM_000261.2:c.1150G>C; short protein forms D384H.
Identifiers: ClinVar variation 2570631 (VCV002570631.2), dbSNP rs1652918497, ClinGen allele CA343724527.